The following is an entry in ClinVar:

ClinVar aggregate classification (germline): Uncertain significance (1 of 4 stars; one submission).

Submission:

Ambry Genetics
Classification: Uncertain significance. Last evaluated: 2022-01-02. Review status: criteria provided, single submitter. Criteria: Ambry Variant Classification Scheme 2023. Collection method: clinical testing. Allele origin: germline.
Comment: The p.Q139K variant (also known as c.415C>A), located in coding exon 4 of the BUB1 gene, results from a C to A substitution at nucleotide position 415. The glutamine at codon 139 is replaced by lysine, an amino acid with similar properties. This amino acid position is conserved. In addition, this alteration is predicted to be tolerated by in silico analysis. Since supporting evidence is limited at this time, the clinical significance of this alteration remains unclear.

NM_004336.5(BUB1):c.415C>A (p.Gln139Lys)

Gene: BUB1 (BUB1 mitotic checkpoint serine/threonine kinase; minus strand). Cytogenetic location: 2q13.
Variant type: single nucleotide variant.
Coding change: c.415C>A on transcript NM_004336.5 (MANE Select); coding-DNA position 415, C replaced by A.
Protein change: p.Gln139Lys; replaces glutamine 139 with lysine.
Molecular consequence: missense variant.
Genome position (GRCh38, 1-based): chr2:110,672,668, G>T on the plus strand (C>A on the coding strand, the complement: BUB1 is on the minus strand). VCF-style: chr2-110672668-G-T. GRCh37 (hg19) VCF-style: chr2-111430245-G-T.
Other names: c.355C>A, p.Gln119Lys (NM_001278616.2); c.415C>A, p.Gln139Lys (NM_001278617.2); short protein forms Q119K, Q139K.
Identifiers: ClinVar variation 1738324 (VCV001738324.2), dbSNP rs2468035665, ClinGen allele CA348220287.